The following is an entry in ClinVar:

ClinVar aggregate classification (germline): Uncertain significance (1 of 4 stars; one submission).

Conditions:
Chuvash polycythemia. Also called: POLYCYTHEMIA, VHL-DEPENDENT. Identifiers: Orphanet 238557, MedGen C1837915, MONDO:0009892, OMIM 263400.
Von Hippel-Lindau syndrome (VHLS). Also called: von Hippel–Lindau syndrome; VHL syndrome; Von Hippel-Lindau. Identifiers: Orphanet 892, MedGen C0019562, MONDO:0008667, OMIM 193300. Disease mechanism: loss of function.

Allele frequency attached by ClinVar (database versions not stated): gnomAD 0.00001; TOPMed 0.00001.
gnomAD v4.1: 1 of 152,208 alleles (0.00066%); highest among the groups gnomAD compares: African/African-American, 0.0024%; no homozygotes.

Submission:

Labcorp Genetics (formerly Invitae), Labcorp
Classification: Uncertain significance for Von Hippel-Lindau syndrome; Chuvash polycythemia. Last evaluated: 2024-12-22. Review status: criteria provided, single submitter. Criteria: Invitae Variant Classification Sherloc (09022015). Collection method: clinical testing. Allele origin: germline.
Comment: This sequence change falls in intron 1 of the VHL gene. It is not expected to change the encoded amino acid sequence of the VHL protein. However, this sequence change falls within a cryptic exon in the VHL gene, known as exon E1’, which is naturally expressed at low levels in several human tissues (PMID: 29891534). This variant is not present in population databases (gnomAD no frequency). This variant has not been reported in the literature in individuals affected with VHL-related conditions. ClinVar contains an entry for this variant (Variation ID: 968514). Experimental studies and prediction algorithms are not available or were not evaluated, and the functional significance of this variant is currently unknown. Algorithms developed to predict the effect of sequence changes on RNA splicing suggest that this variant is not likely to affect RNA splicing. In summary, the available evidence is currently insufficient to determine the role of this variant in disease. Therefore, it has been classified as a Variant of Uncertain Significance.

Literature cited by the submitters: PubMed 29891534.

NM_000551.4(VHL):c.340+829C>T

Genes: VHL (von Hippel-Lindau tumor suppressor; plus strand), LOC107303340 (3p25 von Hippel-Lindau tumor suppressor, E3 ubiquitin protein ligase Alu-mediated recombination region; plus strand). Cytogenetic location: 3p25.3.
Variant type: single nucleotide variant.
Coding change: c.340+829C>T on transcript NM_000551.4 (MANE Select); 829 bases into the intron after coding-DNA position 340, C replaced by T.
Molecular consequence: intron variant. On other transcripts: 3 prime UTR variant (1).
Genome position (GRCh38, 1-based): chr3:10,143,016, C>T. VCF-style: chr3-10143016-C-T. GRCh37 (hg19) VCF-style: chr3-10184700-C-T.
Other names: c.*12C>T (NM_001354723.2); c.340+829C>T (NM_198156.3).
Identifiers: ClinVar variation 968514 (VCV000968514.10), dbSNP rs907291243, ClinGen allele CA70046834.